The following is an entry in ClinVar:

ClinVar aggregate classification (germline): Likely benign. Review status: criteria provided, single submitter (1 of 4 stars). 2 submissions from 2 submitters: Likely benign (1). 1 of the submissions does not count toward it. Last evaluated 2025-12-12.

Conditions:
Adams-Oliver syndrome 5 (AOS5). Identifiers: Orphanet 974, MedGen C4014970, MONDO:0014459, OMIM 616028.
NOTCH1-related disorder. Also called: NOTCH1-related condition; NOTCH1-related disorders.

gnomAD v4.1: 2 of 1,592,358 alleles (0.00013%); highest among the groups gnomAD compares: South Asian, 0.0011%; no homozygotes.

Submissions (2):

Labcorp Genetics (formerly Invitae), Labcorp
Classification: Likely benign for Adams-Oliver syndrome 5. Last evaluated: 2025-12-12. Review status: criteria provided, single submitter. Criteria: Invitae Variant Classification Sherloc (09022015). Collection method: clinical testing. Allele origin: germline.

PreventionGenetics, part of Exact Sciences
Classification: Likely benign for NOTCH1-related condition. Last evaluated: 2023-04-11. Review status: no assertion criteria provided. Collection method: clinical testing. Allele origin: germline. Not counted in ClinVar's aggregate classification.
Comment: This variant is classified as likely benign based on ACMG/AMP sequence variant interpretation guidelines (Richards et al. 2015 PMID: 25741868, with internal and published modifications).

NM_017617.5(NOTCH1):c.2415G>C (p.Thr805=)

Gene: NOTCH1 (notch receptor 1; minus strand). Cytogenetic location: 9q34.3.
Variant type: single nucleotide variant.
Coding change: c.2415G>C on transcript NM_017617.5 (MANE Select); coding-DNA position 2415, G replaced by C.
Protein change: p.Thr805=; no amino-acid change (threonine 805 retained).
Molecular consequence: synonymous variant.
Genome position (GRCh38, 1-based): chr9:136,513,073, C>G on the plus strand (G>C on the coding strand, the complement: NOTCH1 is on the minus strand). VCF-style: chr9-136513073-C-G. GRCh37 (hg19) VCF-style: chr9-139407525-C-G.
Other names: c.2415G>C (NM_017617.4).
Identifiers: ClinVar variation 1543106 (VCV001543106.10), dbSNP rs774284462, ClinGen allele CA467833280.